The following is an entry in ClinVar:

NM_018136.5(ASPM):c.450T>C (p.Leu150=)

Gene: ASPM (assembly factor for spindle microtubules; minus strand). Cytogenetic location: 1q31.3.
Variant type: single nucleotide variant.
Coding change: c.450T>C on transcript NM_018136.5 (MANE Select); coding-DNA position 450, T replaced by C.
Protein change: p.Leu150=; no amino-acid change (leucine 150 retained).
Molecular consequence: synonymous variant.
Genome position (GRCh38, 1-based): chr1:197,143,802, A>G on the plus strand (T>C on the coding strand, the complement: ASPM is on the minus strand). VCF-style: chr1-197143802-A-G. GRCh37 (hg19) VCF-style: chr1-197112932-A-G.
Other names: c.450T>C, p.Leu150= (NM_001206846.2).
Identifiers: ClinVar variation 387513 (VCV000387513.3), dbSNP rs762652552, ClinGen allele CA1310870.

ClinVar aggregate classification (germline): Likely benign. Review status: criteria provided, multiple submitters, no conflicts (2 of 4 stars). 2 submissions from 2 submitters: Likely benign (2). Last evaluated 2025-02-03.

Allele frequency attached by ClinVar (database versions not stated): gnomAD exomes below 0.00001 and 0.00001; ExAC 0.00001; gnomAD 0.00005; TOPMed 0.00012.
gnomAD v4.1: 12 of 1,612,312 alleles (0.00074%); highest among the groups gnomAD compares: African/African-American, 0.013%; no homozygotes.

Submissions (2):

Labcorp Genetics (formerly Invitae), Labcorp
Classification: Likely benign. Last evaluated: 2025-02-03. Review status: criteria provided, single submitter. Criteria: Invitae Variant Classification Sherloc (09022015). Collection method: clinical testing. Allele origin: germline.

GeneDx
Classification: Likely benign. Last evaluated: 2016-07-07. Review status: criteria provided, single submitter. Criteria: GeneDx Variant Classification (06012015). Collection method: clinical testing. Allele origin: germline. Affected: yes.
Comment: This variant is considered likely benign or benign based on one or more of the following criteria: it is a conservative change, it occurs at a poorly conserved position in the protein, it is predicted to be benign by multiple in silico algorithms, and/or has population frequency not consistent with disease.